The following is an entry in ClinVar:

ClinVar aggregate classification (germline): Likely benign. Review status: criteria provided, multiple submitters, no conflicts (2 of 4 stars). 4 submissions from 4 submitters: Likely benign (3). 1 of the submissions does not count toward it. Last evaluated 2024-10-22.

Conditions:
Inborn genetic diseases. Identifiers: MedGen C0950123, MeSH D030342.
PPA2-related disorder. Also called: PPA2-related disorders; PPA2-related condition.

Allele frequency attached by ClinVar (database versions not stated): ESP Exome Variant Server 0.00039; gnomAD exomes 0.00044; ExAC 0.00047; 1000 Genomes Project 30x 0.00125; 1000 Genomes Project 0.00140; gnomAD 0.00178 and 0.00190; TOPMed 0.00192.
gnomAD v4.1: 750 of 1,606,316 alleles (0.047%); highest among the groups gnomAD compares: African/African-American, 0.48%; 2 homozygotes.

Submissions (4):

Blueprint Genetics
Classification: Likely benign. Last evaluated: 2024-10-22. Review status: criteria provided, single submitter. Criteria: ACMG Guidelines, 2015. Collection method: clinical testing. Allele origin: germline.

Ambry Genetics
Classification: Likely benign for Inborn genetic diseases. Last evaluated: 2021-06-02. Review status: criteria provided, single submitter. Criteria: Ambry Variant Classification Scheme 2023. Collection method: clinical testing. Allele origin: germline.

Labcorp Genetics (formerly Invitae), Labcorp
Classification: Likely benign. Last evaluated: 2019-12-31. Review status: criteria provided, single submitter. Criteria: Invitae Variant Classification Sherloc (09022015). Collection method: clinical testing. Allele origin: germline.

PreventionGenetics, part of Exact Sciences
Classification: Likely benign for PPA2-related condition. Last evaluated: 2022-11-11. Review status: no assertion criteria provided. Collection method: clinical testing. Allele origin: germline. Not counted in ClinVar's aggregate classification.
Comment: This variant is classified as likely benign based on ACMG/AMP sequence variant interpretation guidelines (Richards et al. 2015 PMID: 25741868, with internal and published modifications).

NM_176869.3(PPA2):c.52C>A (p.Leu18Met)

Gene: PPA2 (inorganic pyrophosphatase 2; minus strand). Cytogenetic location: 4q24.
Variant type: single nucleotide variant.
Coding change: c.52C>A on transcript NM_176869.3 (MANE Select); coding-DNA position 52, C replaced by A.
Protein change: p.Leu18Met; replaces leucine 18 with methionine.
Molecular consequence: missense variant.
Genome position (GRCh38, 1-based): chr4:105,473,999, G>T on the plus strand (C>A on the coding strand, the complement: PPA2 is on the minus strand). VCF-style: chr4-105473999-G-T. GRCh37 (hg19) VCF-style: chr4-106395156-G-T.
Other names: c.52C>A, p.Leu18Met (NM_006903.4, NM_176866.2, NM_176867.3); short protein forms L18M.
Identifiers: ClinVar variation 755323 (VCV000755323.10), dbSNP rs114456625, ClinGen allele CA3032863.